The following is an entry in ClinVar:

NM_030973.4(MED25):c.1678G>C (p.Gly560Arg)

Gene: MED25 (mediator complex subunit 25; plus strand). Cytogenetic location: 19q13.33.
Variant type: single nucleotide variant.
Coding change: c.1678G>C on transcript NM_030973.4 (MANE Select); coding-DNA position 1678, G replaced by C.
Protein change: p.Gly560Arg; replaces glycine 560 with arginine.
Molecular consequence: missense variant.
Genome position (GRCh38, 1-based): chr19:49,835,537, G>C. VCF-style: chr19-49835537-G-C. GRCh37 (hg19) VCF-style: chr19-50338794-G-C.
Other names: c.1678G>C, p.Gly560Arg (NM_001378355.1); short protein forms G560R.
Identifiers: ClinVar variation 661585 (VCV000661585.50), dbSNP rs866498468, ClinGen allele CA309520280.
Genomic context (GRCh38, chr19:49,835,537, plus strand): 5'-TCAGATTCAGGATGCCACCACCCTCAGTTACTGACCTGCCCCTCTCTCCCCGTGCAGATG[G>C]GGGGACAGCAGGCACCCCCAGGGCTGGGGCCCATTCTGGAGGACCAAGCCAGGCCCTCAC-3'
Protein context (NP_112235.2, residues 550-570): QKLEQQQRGM[Gly560Arg]GQQAPPGLGP

ClinVar aggregate classification (germline): Uncertain significance. Review status: criteria provided, multiple submitters, no conflicts (2 of 4 stars). 2 submissions from 2 submitters: Uncertain significance (2). Last evaluated 2022-11-01.

Conditions:
Charcot-Marie-Tooth disease type 2. Also called: Charcot-Marie-Tooth type 2. Identifiers: Orphanet 64746, MedGen C0270914, MONDO:0018993.

Allele frequency attached by ClinVar (database versions not stated): TOPMed below 0.00001; gnomAD 0.00001.
gnomAD v4.1: 21 of 1,558,512 alleles (0.0013%); highest among the groups gnomAD compares: South Asian, 0.0059%; no homozygotes.

Submissions (2):

Labcorp Genetics (formerly Invitae), Labcorp
Classification: Uncertain significance for Charcot-Marie-Tooth disease type 2. Last evaluated: 2022-11-01. Review status: criteria provided, single submitter. Criteria: Invitae Variant Classification Sherloc (09022015). Collection method: clinical testing. Allele origin: germline.
Comment: In summary, the available evidence is currently insufficient to determine the role of this variant in disease. Therefore, it has been classified as a Variant of Uncertain Significance. This sequence change replaces glycine, which is neutral and non-polar, with arginine, which is basic and polar, at codon 560 of the MED25 protein (p.Gly560Arg). This variant is present in population databases (no rsID available, gnomAD 0.001%). This variant has not been reported in the literature in individuals affected with MED25-related conditions. ClinVar contains an entry for this variant (Variation ID: 661585). Algorithms developed to predict the effect of missense changes on protein structure and function are either unavailable or do not agree on the potential impact of this missense change (SIFT: "Deleterious"; PolyPhen-2: "Probably Damaging"; Align-GVGD: "Class C0").

CeGaT Center for Human Genetics Tuebingen
Classification: Uncertain significance. Last evaluated: 2017-08-01. Review status: criteria provided, single submitter. Criteria: CeGaT Center For Human Genetics Tuebingen Variant Classification Criteria Version 2. Collection method: clinical testing. Allele origin: germline. Affected: yes. Observed: 1 variant allele.